The following is an entry in ClinVar:

ClinVar aggregate classification (germline): Likely pathogenic (1 of 4 stars; one submission).

Conditions:
Inborn genetic diseases. Identifiers: MedGen C0950123, MeSH D030342.

Submission:

Ambry Genetics
Classification: Likely pathogenic for Inborn genetic diseases. Last evaluated: 2024-03-29. Review status: criteria provided, single submitter. Criteria: Ambry Variant Classification Scheme 2023. Collection method: clinical testing. Allele origin: germline.
Comment: The c.590A>G (p.E197G) alteration is located in coding exon 6 of the RNASEH2A gene. This alteration results from an A to G substitution at nucleotide position 590, causing the glutamic acid (E) at amino acid position 197 to be replaced by a glycine (G). This variant was not reported in population-based cohorts in the Genome Aggregation Database (gnomAD). This amino acid position is highly conserved in available vertebrate species. This alteration is predicted to be deleterious by in silico analysis. Based on the available evidence, this alteration is classified as likely pathogenic.

NM_006397.3(RNASEH2A):c.590A>G (p.Glu197Gly)

Gene: RNASEH2A (ribonuclease H2 subunit A; plus strand). Cytogenetic location: 19p13.13.
Variant type: single nucleotide variant.
Coding change: c.590A>G on transcript NM_006397.3 (MANE Select); coding-DNA position 590, A replaced by G.
Protein change: p.Glu197Gly; replaces glutamic acid 197 with glycine.
Molecular consequence: missense variant.
Genome position (GRCh38, 1-based): chr19:12,810,357, A>G. VCF-style: chr19-12810357-A-G. GRCh37 (hg19) VCF-style: chr19-12921171-A-G.
Other names: short protein forms E197G.
Identifiers: ClinVar variation 521926 (VCV000521926.4), dbSNP rs1555734800, ClinGen allele CA404267621.